The following is an entry in ClinVar:

ClinVar aggregate classification (germline): Uncertain significance (1 of 4 stars; one submission).

Submission:

Labcorp Genetics (formerly Invitae), Labcorp
Classification: Uncertain significance. Last evaluated: 2025-03-28. Review status: criteria provided, single submitter. Criteria: Invitae Variant Classification Sherloc (09022015). Collection method: clinical testing. Allele origin: germline.
Comment: This sequence change replaces arginine, which is basic and polar, with proline, which is neutral and non-polar, at codon 202 of the CYC1 protein (p.Arg202Pro). This variant is not present in population databases (gnomAD no frequency). This variant has not been reported in the literature in individuals affected with CYC1-related conditions. Invitae Evidence Modeling of protein sequence and biophysical properties (such as structural, functional, and spatial information, amino acid conservation, physicochemical variation, residue mobility, and thermodynamic stability) indicates that this missense variant is not expected to disrupt CYC1 protein function with a negative predictive value of 80%. In summary, the available evidence is currently insufficient to determine the role of this variant in disease. Therefore, it has been classified as a Variant of Uncertain Significance.

NM_001916.5(CYC1):c.605G>C (p.Arg202Pro)

Gene: CYC1 (cytochrome c1; plus strand). Cytogenetic location: 8q24.3.
Variant type: single nucleotide variant.
Coding change: c.605G>C on transcript NM_001916.5 (MANE Select); coding-DNA position 605, G replaced by C.
Protein change: p.Arg202Pro; replaces arginine 202 with proline.
Molecular consequence: missense variant.
Genome position (GRCh38, 1-based): chr8:144,096,488, G>C. VCF-style: chr8-144096488-G-C. GRCh37 (hg19) VCF-style: chr8-145151391-G-C.
Other names: short protein forms R202P.
Identifiers: ClinVar variation 3628553 (VCV003628553.2).